The following is an entry in ClinVar:

NM_016579.4(CD320):c.60GCT[7] (p.Leu24_Leu25dup)

Gene: CD320 (CD320 molecule; minus strand). Cytogenetic location: 19p13.2.
Variant type: Microsatellite.
Coding change: c.60GCT[7] on transcript NM_016579.4 (MANE Select); seven copies in a row of the 3-base unit GCT starting at c.60; the reference has five copies in a row; two copies, 6 bases duplicated.
Protein change: p.Leu24_Leu25dup.
Molecular consequence: inframe insertion.
Genome position (GRCh38, 1-based): chr19:8,308,217-8,308,222, AGCAGC duplicated on the plus strand (GCTGCT on the coding strand, the reverse complement: CD320 is on the minus strand); duplicating any 6 consecutive bases within chr19:8,308,217-8,308,231 gives the same sequence; the position shown is the placement nearest the transcript's 3' end. VCF-style (leftmost placement, unchanged base first): chr19-8308216-G-GAGCAGC. GRCh37 (hg19) VCF-style: chr19-8373100-G-GAGCAGC.
Other names: c.60GCT[7], p.Leu24_Leu25dup (NM_001165895.2).
Identifiers: ClinVar variation 566320 (VCV000566320.8), dbSNP rs750768529, ClinGen allele CA9154858.

ClinVar aggregate classification (germline): Uncertain significance (1 of 4 stars; one submission).

Conditions:
Methylmalonic acidemia due to transcobalamin receptor defect (MATR). Also called: METHYLMALONIC ACIDEMIA, TCblR TYPE; METHYLMALONIC ACIDURIA, TRANSIENT, DUE TO TRANSCOBALAMIN RECEPTOR DEFECT. Identifiers: Orphanet 280183, MedGen C4749905, MONDO:0013341, OMIM 613646.

Submission:

Labcorp Genetics (formerly Invitae), Labcorp
Classification: Uncertain significance for Methylmalonic acidemia due to transcobalamin receptor defect. Last evaluated: 2022-06-04. Review status: criteria provided, single submitter. Criteria: Invitae Variant Classification Sherloc (09022015). Collection method: clinical testing. Allele origin: germline.
Comment: This variant, c.69_74dup, results in the insertion of 2 amino acid(s) of the CD320 protein (p.Leu24_Leu25dup), but otherwise preserves the integrity of the reading frame. This variant is present in population databases (rs750768529, gnomAD 0.02%). This variant has not been reported in the literature in individuals affected with CD320-related conditions. Experimental studies and prediction algorithms are not available or were not evaluated, and the functional significance of this variant is currently unknown. In summary, the available evidence is currently insufficient to determine the role of this variant in disease. Therefore, it has been classified as a Variant of Uncertain Significance.